The following is an entry in ClinVar:

NM_001134407.3(GRIN2A):c.2769C>G (p.Asp923Glu)

Gene: GRIN2A (glutamate ionotropic receptor NMDA type subunit 2A; minus strand). Cytogenetic location: 16p13.2.
Variant type: single nucleotide variant.
Coding change: c.2769C>G on transcript NM_001134407.3 (MANE Select); coding-DNA position 2769, C replaced by G.
Protein change: p.Asp923Glu; replaces aspartic acid 923 with glutamic acid.
Molecular consequence: missense variant.
Genome position (GRCh38, 1-based): chr16:9,764,775, G>C on the plus strand (C>G on the coding strand, the complement: GRIN2A is on the minus strand). VCF-style: chr16-9764775-G-C. GRCh37 (hg19) VCF-style: chr16-9858632-G-C.
Other names: c.2769C>G, p.Asp923Glu (NM_000833.5, NM_001134408.2); short protein forms D923E.
Identifiers: ClinVar variation 2751551 (VCV002751551.3), dbSNP rs1396902143, ClinGen allele CA394709396.
Genomic context (GRCh38, chr16:9,764,775, plus strand): 5'-GTACATCAAATTCCCCTTATCTGAAACCATGTCCATGATGAGGGAACCTCTTTGGATGAA[G>C]TCAGCAGCTCTTTTGGGTGAGTCCATTCTTGAGGAGTTCATGTTGGACATGCTGGAAATG-3'
Protein context (NP_001127879.1, residues 913-933): SRMDSPKRAA[Asp923Glu]FIQRGSLIMD

ClinVar aggregate classification (germline): Uncertain significance (1 of 4 stars; one submission).

Conditions:
Landau-Kleffner syndrome (FESD). Also called: APHASIA, ACQUIRED, WITH EPILEPSY; EPILEPSY, FOCAL, WITH SPEECH DISORDER AND WITH OR WITHOUT MENTAL RETARDATION. Identifiers: Orphanet 1945, Orphanet 725, Orphanet 98818, MedGen C0282512, MONDO:0009509, OMIM 245570.

Submission:

Labcorp Genetics (formerly Invitae), Labcorp
Classification: Uncertain significance for Landau-Kleffner syndrome. Last evaluated: 2023-09-10. Review status: criteria provided, single submitter. Criteria: Invitae Variant Classification Sherloc (09022015). Collection method: clinical testing. Allele origin: germline.
Comment: Advanced modeling of protein sequence and biophysical properties (such as structural, functional, and spatial information, amino acid conservation, physicochemical variation, residue mobility, and thermodynamic stability) performed at Invitae indicates that this missense variant is not expected to disrupt GRIN2A protein function. This sequence change replaces aspartic acid, which is acidic and polar, with glutamic acid, which is acidic and polar, at codon 923 of the GRIN2A protein (p.Asp923Glu). This variant is not present in population databases (gnomAD no frequency). This variant has not been reported in the literature in individuals affected with GRIN2A-related conditions. In summary, the available evidence is currently insufficient to determine the role of this variant in disease. Therefore, it has been classified as a Variant of Uncertain Significance.